The following is an entry in ClinVar:

NM_001242896.3(DEPDC5):c.130C>T (p.Pro44Ser)

Gene: DEPDC5 (DEP domain containing 5, GATOR1 subcomplex subunit; plus strand). Cytogenetic location: 22q12.2.
Variant type: single nucleotide variant.
Coding change: c.130C>T on transcript NM_001242896.3 (MANE Select); coding-DNA position 130, C replaced by T.
Protein change: p.Pro44Ser; replaces proline 44 with serine.
Molecular consequence: missense variant. On other transcripts: non-coding transcript variant (5).
Genome position (GRCh38, 1-based): chr22:31,758,617, C>T. VCF-style: chr22-31758617-C-T. GRCh37 (hg19) VCF-style: chr22-32154603-C-T.
Other names: c.130C>T, p.Pro44Ser (NM_001007188.4, NM_001136029.4, NM_001242897.2 and 9 more transcripts); short protein forms P44S.
Identifiers: ClinVar variation 2721132 (VCV002721132.3), dbSNP rs756878843, ClinGen allele CA411279005.

ClinVar aggregate classification (germline): Uncertain significance (1 of 4 stars; one submission).

Conditions:
Familial focal epilepsy with variable foci (FPEVF). Identifiers: Orphanet 98820, MedGen C1858477, MONDO:0020310.

gnomAD v4.1: 6 of 1,613,918 alleles (0.00037%); highest among the groups gnomAD compares: Non-Finnish European, 0.00051%; no homozygotes.

Submission:

Labcorp Genetics (formerly Invitae), Labcorp
Classification: Uncertain significance for Familial focal epilepsy with variable foci. Last evaluated: 2023-01-15. Review status: criteria provided, single submitter. Criteria: Invitae Variant Classification Sherloc (09022015). Collection method: clinical testing. Allele origin: germline.
Comment: This variant is not present in population databases (gnomAD no frequency). This sequence change replaces proline, which is neutral and non-polar, with serine, which is neutral and polar, at codon 44 of the DEPDC5 protein (p.Pro44Ser). This variant has not been reported in the literature in individuals affected with DEPDC5-related conditions. Algorithms developed to predict the effect of missense changes on protein structure and function are either unavailable or do not agree on the potential impact of this missense change (SIFT: "Deleterious"; PolyPhen-2: "Not Available"; Align-GVGD: "Class C0"). In summary, the available evidence is currently insufficient to determine the role of this variant in disease. Therefore, it has been classified as a Variant of Uncertain Significance.